The following is an entry in ClinVar:

NM_001370785.2(LRRC7):c.2065C>T (p.Leu689=)

Genes: LRRC7 (leucine rich repeat containing 7; plus strand), LRRC7-AS1 (LRRC7 antisense RNA 1; minus strand). Cytogenetic location: 1p31.1.
Variant type: single nucleotide variant.
Coding change: c.2065C>T on transcript NM_001370785.2 (MANE Select); coding-DNA position 2065, C replaced by T.
Protein change: p.Leu689=; no amino-acid change (leucine 689 retained).
Molecular consequence: synonymous variant. On other transcripts: non-coding transcript variant (1).
Genome position (GRCh38, 1-based): chr1:70,036,190, C>T. VCF-style: chr1-70036190-C-T. GRCh37 (hg19) VCF-style: chr1-70501873-C-T.
Other names: c.1966C>T, p.Leu656= (NM_001330635.3, NM_001366839.3, NM_001366841.1); c.2068C>T, p.Leu690= (NM_001350216.3); c.2065C>T, p.Leu689= (NM_001366838.3).
Identifiers: ClinVar variation 5038608 (VCV005038608.1).

ClinVar aggregate classification (germline): Likely benign (1 of 4 stars; one submission).

gnomAD v4.1: 645 of 1,613,530 alleles (0.04%); highest among the groups gnomAD compares: Non-Finnish European, 0.046%; no homozygotes.

Submission:

CeGaT Center for Human Genetics Tuebingen
Classification: Likely benign. Last evaluated: 2026-08-01. Review status: criteria provided, single submitter. Criteria: CeGaT Center For Human Genetics Tuebingen Variant Classification Criteria Version 2. Collection method: clinical testing. Allele origin: germline. Affected: yes. Observed: 1 variant allele.
Comment: LRRC7: BP4, BS1